The following is an entry in ClinVar:

NM_001220.5(CAMK2B):c.1984G>A (p.Val662Met)

Gene: CAMK2B (calcium/calmodulin dependent protein kinase II beta; minus strand). Cytogenetic location: 7p13.
Variant type: single nucleotide variant.
Coding change: c.1984G>A on transcript NM_001220.5 (MANE Select); coding-DNA position 1984, G replaced by A.
Protein change: p.Val662Met; replaces valine 662 with methionine.
Molecular consequence: missense variant.
Genome position (GRCh38, 1-based): chr7:44,220,079, C>T on the plus strand (G>A on the coding strand, the complement: CAMK2B is on the minus strand). VCF-style: chr7-44220079-C-T. GRCh37 (hg19) VCF-style: chr7-44259678-C-T.
Other names: c.1612G>A, p.Val538Met (NM_001293170.2, NM_172078.3); c.1540G>A, p.Val514Met (NM_172079.3); c.1537G>A, p.Val513Met (NM_172080.3); c.1495G>A, p.Val499Met (NM_172081.3); c.1462G>A, p.Val488Met (NM_172082.3); c.1423G>A, p.Val475Met (NM_172083.3); c.1333G>A, p.Val445Met (NM_172084.3); short protein forms V445M, V513M, V514M, V538M, V488M, V662M, V475M, V499M.
Identifiers: ClinVar variation 3678676 (VCV003678676.2).

ClinVar aggregate classification (germline): Uncertain significance (1 of 4 stars; one submission).

Submission:

Labcorp Genetics (formerly Invitae), Labcorp
Classification: Uncertain significance. Last evaluated: 2024-12-24. Review status: criteria provided, single submitter. Criteria: Invitae Variant Classification Sherloc (09022015). Collection method: clinical testing. Allele origin: germline.
Comment: This sequence change replaces valine, which is neutral and non-polar, with methionine, which is neutral and non-polar, at codon 662 of the CAMK2B protein (p.Val662Met). This variant is not present in population databases (gnomAD no frequency). This variant has not been reported in the literature in individuals affected with CAMK2B-related conditions. An algorithm developed to predict the effect of missense changes on protein structure and function (PolyPhen-2) suggests that this variant is likely to be disruptive. In summary, the available evidence is currently insufficient to determine the role of this variant in disease. Therefore, it has been classified as a Variant of Uncertain Significance.